The following is an entry in ClinVar:

ClinVar aggregate classification (germline): Uncertain significance (1 of 4 stars; one submission).

Submission:

GeneDx
Classification: Uncertain significance. Last evaluated: 2023-04-18. Review status: criteria provided, single submitter. Criteria: GeneDx Variant Classification Process June 2021. Collection method: clinical testing. Allele origin: germline. Affected: yes.
Comment: Has not been previously published as pathogenic or benign to our knowledge; Not observed at significant frequency in large population cohorts (gnomAD); In silico analysis supports that this missense variant does not alter protein structure/function

NM_004370.6(COL12A1):c.1651G>C (p.Gly551Arg)

Gene: COL12A1 (collagen type XII alpha 1 chain; minus strand). Cytogenetic location: 6q13.
Variant type: single nucleotide variant.
Coding change: c.1651G>C on transcript NM_004370.6 (MANE Select); coding-DNA position 1651, G replaced by C.
Protein change: p.Gly551Arg; replaces glycine 551 with arginine.
Molecular consequence: missense variant. On other transcripts: intron variant (2).
Genome position (GRCh38, 1-based): chr6:75,183,290, C>G on the plus strand (G>C on the coding strand, the complement: COL12A1 is on the minus strand). VCF-style: chr6-75183290-C-G. GRCh37 (hg19) VCF-style: chr6-75893006-C-G.
Other names: c.1651G>C, p.Gly551Arg (NM_001424113.1, NM_001424114.1, NM_001424115.1); c.73+19430G>C (NM_001424116.1, NM_080645.3); short protein forms G551R.
Identifiers: ClinVar variation 2663691 (VCV002663691.1), dbSNP rs2533566210, ClinGen allele CA364769206.